The following is an entry in ClinVar:

ClinVar aggregate classification (germline): Uncertain significance (1 of 4 stars; one submission).

Conditions:
RASopathy. Also called: Noonan spectrum disorder; rasopathies. Identifiers: Orphanet 536391, MedGen C5555857, MONDO:0021060.

gnomAD v4.1: 1 of 1,613,238 alleles (0.000062%); highest among the groups gnomAD compares: Non-Finnish European, 0.000085%; no homozygotes.

Submission:

Labcorp Genetics (formerly Invitae), Labcorp
Classification: Uncertain significance for RASopathy. Last evaluated: 2026-01-27. Review status: criteria provided, single submitter. Criteria: Invitae Variant Classification Sherloc (09022015). Collection method: clinical testing. Allele origin: germline.
Comment: This sequence change replaces glutamine, which is neutral and polar, with histidine, which is basic and polar, at codon 426 of the SOS1 protein (p.Gln426His). This variant is not present in population databases (gnomAD no frequency). This variant has not been reported in the literature in individuals affected with SOS1-related conditions. Invitae Evidence Modeling of protein sequence and biophysical properties (such as structural, functional, and spatial information, amino acid conservation, physicochemical variation, residue mobility, and thermodynamic stability) has been performed for this missense variant. However, the output from this modeling did not meet the statistical confidence thresholds required to predict the impact of this variant on SOS1 protein function. In summary, the available evidence is currently insufficient to determine the role of this variant in disease. Therefore, it has been classified as a Variant of Uncertain Significance.

NM_005633.4(SOS1):c.1278G>C (p.Gln426His)

Gene: SOS1 (SOS Ras/Rac guanine nucleotide exchange factor 1; minus strand). Cytogenetic location: 2p22.1.
Variant type: single nucleotide variant.
Coding change: c.1278G>C on transcript NM_005633.4 (MANE Select); coding-DNA position 1278, G replaced by C.
Protein change: p.Gln426His; replaces glutamine 426 with histidine.
Molecular consequence: missense variant.
Genome position (GRCh38, 1-based): chr2:39,023,150, C>G on the plus strand (G>C on the coding strand, the complement: SOS1 is on the minus strand). VCF-style: chr2-39023150-C-G. GRCh37 (hg19) VCF-style: chr2-39250291-C-G.
Other names: c.1257G>C, p.Gln419His (NM_001382394.1); c.1278G>C, p.Gln426His (NM_001382395.1); short protein forms Q419H, Q426H.
Identifiers: ClinVar variation 4747110 (VCV004747110.1).